The following is an entry in ClinVar:

NM_152327.5(AK7):c.596A>G (p.Lys199Arg)

Gene: AK7 (adenylate kinase 7; plus strand). Cytogenetic location: 14q32.2.
Variant type: single nucleotide variant.
Coding change: c.596A>G on transcript NM_152327.5 (MANE Select); coding-DNA position 596, A replaced by G.
Protein change: p.Lys199Arg; replaces lysine 199 with arginine.
Molecular consequence: missense variant.
Genome position (GRCh38, 1-based): chr14:96,420,919, A>G. VCF-style: chr14-96420919-A-G. GRCh37 (hg19) VCF-style: chr14-96887256-A-G.
Other names: c.596A>G (NM_152327.2); c.596A>G, p.Lys199Arg (NM_001350888.2, NM_001350890.2, NM_001350891.2 and 1 more transcripts); short protein forms K199R.
Identifiers: ClinVar variation 2202130 (VCV002202130.3), dbSNP rs148045100, ClinGen allele CA7337531.

ClinVar aggregate classification (germline): Uncertain significance. Review status: criteria provided, multiple submitters, no conflicts (2 of 4 stars). 2 submissions from 2 submitters: Uncertain significance (2). Last evaluated 2025-12-11.

Allele frequency attached by ClinVar (database versions not stated): TOPMed 0.00014; gnomAD 0.00010; ExAC 0.00033; ESP Exome Variant Server 0.00015; gnomAD exomes 0.00023.
gnomAD v4.1: 354 of 1,607,084 alleles (0.022%); highest among the groups gnomAD compares: Non-Finnish European, 0.029%; no homozygotes.

Submissions (2):

Ambry Genetics
Classification: Uncertain significance. Last evaluated: 2025-12-11. Review status: criteria provided, single submitter. Criteria: Ambry Variant Classification Scheme 2023. Collection method: clinical testing. Allele origin: germline.

Labcorp Genetics (formerly Invitae), Labcorp
Classification: Uncertain significance. Last evaluated: 2024-01-19. Review status: criteria provided, single submitter. Criteria: Invitae Variant Classification Sherloc (09022015). Collection method: clinical testing. Allele origin: germline.
Comment: This sequence change replaces lysine, which is basic and polar, with arginine, which is basic and polar, at codon 199 of the AK7 protein (p.Lys199Arg). This variant is present in population databases (rs148045100, gnomAD 0.04%). This variant has not been reported in the literature in individuals affected with AK7-related conditions. ClinVar contains an entry for this variant (Variation ID: 2202130). Advanced modeling of protein sequence and biophysical properties (such as structural, functional, and spatial information, amino acid conservation, physicochemical variation, residue mobility, and thermodynamic stability) performed at Invitae indicates that this missense variant is not expected to disrupt AK7 protein function with a negative predictive value of 80%. In summary, the available evidence is currently insufficient to determine the role of this variant in disease. Therefore, it has been classified as a Variant of Uncertain Significance.